The following is an entry in ClinVar:

ClinVar aggregate classification (germline): Uncertain significance (1 of 4 stars; one submission).

Conditions:
Familial hemophagocytic lymphohistiocytosis 4 (FHL4). Also called: STX11-Related Familial Hemophagocytic Lymphohistiocytosis (STX11-fHLH). Identifiers: Orphanet 540, MedGen C1863728, MONDO:0011336, OMIM 603552.

gnomAD v4.1: 10 of 1,613,970 alleles (0.00062%); highest among the groups gnomAD compares: East Asian, 0.02%; no homozygotes.

Submission:

Labcorp Genetics (formerly Invitae), Labcorp
Classification: Uncertain significance for Familial hemophagocytic lymphohistiocytosis 4. Last evaluated: 2022-03-01. Review status: criteria provided, single submitter. Criteria: Invitae Variant Classification Sherloc (09022015). Collection method: clinical testing. Allele origin: germline.
Comment: This sequence change replaces valine, which is neutral and non-polar, with leucine, which is neutral and non-polar, at codon 197 of the STX11 protein (p.Val197Leu). This variant is present in population databases (rs141499372, gnomAD 0.006%). In summary, the available evidence is currently insufficient to determine the role of this variant in disease. Therefore, it has been classified as a Variant of Uncertain Significance. Algorithms developed to predict the effect of missense changes on protein structure and function (SIFT, PolyPhen-2, Align-GVGD) all suggest that this variant is likely to be tolerated. This variant has not been reported in the literature in individuals affected with STX11-related conditions.

NM_003764.4(STX11):c.589G>T (p.Val197Leu)

Gene: STX11 (syntaxin 11; plus strand). Cytogenetic location: 6q24.2.
Variant type: single nucleotide variant.
Coding change: c.589G>T on transcript NM_003764.4 (MANE Select); coding-DNA position 589, G replaced by T.
Protein change: p.Val197Leu; replaces valine 197 with leucine.
Molecular consequence: missense variant.
Genome position (GRCh38, 1-based): chr6:144,187,216, G>T. VCF-style: chr6-144187216-G-T. GRCh37 (hg19) VCF-style: chr6-144508353-G-T.
Other names: short protein forms V197L.
Identifiers: ClinVar variation 2101204 (VCV002101204.4), dbSNP rs141499372, ClinGen allele CA4031739.